The following is an entry in ClinVar:

ClinVar aggregate classification (germline): Uncertain significance (1 of 4 stars; one submission).

Submission:

Labcorp Genetics (formerly Invitae), Labcorp
Classification: Uncertain significance. Last evaluated: 2021-05-04. Review status: criteria provided, single submitter. Criteria: Invitae Variant Classification Sherloc (09022015). Collection method: clinical testing. Allele origin: germline.
Comment: In summary, the available evidence is currently insufficient to determine the role of this variant in disease. Therefore, it has been classified as a Variant of Uncertain Significance. Algorithms developed to predict the effect of missense changes on protein structure and function (SIFT, PolyPhen-2, Align-GVGD) all suggest that this variant is likely to be tolerated, but these predictions have not been confirmed by published functional studies and their clinical significance is uncertain. This variant has not been reported in the literature in individuals with ANKZF1-related conditions. This variant is not present in population databases (ExAC no frequency). This sequence change replaces threonine with alanine at codon 607 of the ANKZF1 protein (p.Thr607Ala). The threonine residue is moderately conserved and there is a small physicochemical difference between threonine and alanine.

NM_018089.3(ANKZF1):c.1819A>G (p.Thr607Ala)

Gene: ANKZF1 (ankyrin repeat and zinc finger peptidyl tRNA hydrolase 1; plus strand). Cytogenetic location: 2q35.
Variant type: single nucleotide variant.
Coding change: c.1819A>G on transcript NM_018089.3 (MANE Select); coding-DNA position 1819, A replaced by G.
Protein change: p.Thr607Ala; replaces threonine 607 with alanine.
Molecular consequence: missense variant.
Genome position (GRCh38, 1-based): chr2:219,235,723, A>G. VCF-style: chr2-219235723-A-G. GRCh37 (hg19) VCF-style: chr2-220100445-A-G.
Other names: c.1819A>G, p.Thr607Ala (NM_001042410.2); c.1189A>G, p.Thr397Ala (NM_001282792.2); short protein forms T397A, T607A.
Identifiers: ClinVar variation 1351294 (VCV001351294.8), dbSNP rs2106468064, ClinGen allele CA350687366.
Genomic context (GRCh38, chr2:219,235,723, plus strand): 5'-TTTACCAAAGATAACTTATAGGGTCTTATATTTGAAATCCTCCAGGTGCCAGGACCATTG[A>G]CACCAGAAATGGAGGCACGGCAGGCTACACGGAAAAGGGAGCAGAAGGCAGCCCGGCGGC-3'
Protein context (NP_060559.2, residues 597-617): YNKAQVPGPL[Thr607Ala]PEMEARQATR